The following is an entry in ClinVar:

ClinVar aggregate classification (germline): Benign. Review status: criteria provided, multiple submitters, no conflicts (2 of 4 stars). 2 submissions from 2 submitters: Benign (2). Last evaluated 2018-01-12.

Conditions:
Ellis-van Creveld syndrome (EVC). Also called: EVC-Related Ellis-van Creveld Syndrome; EVC2-Related Ellis-van Creveld Syndrome; MESOECTODERMAL DYSPLASIA; Chondroectodermal dysplasia. Identifiers: Orphanet 289, MedGen C0013903, MONDO:0009162, OMIM 225500.

Allele frequency attached by ClinVar (database versions not stated): gnomAD exomes 0.30000; 1000 Genomes Project 30x 0.38445; 1000 Genomes Project 0.38758; TOPMed 0.40343; gnomAD 0.41865 and 0.41933.
gnomAD v4.1: 63,618 of 152,028 alleles (42%); highest among the groups gnomAD compares: South Asian, 47%; 13,567 homozygotes.

Submissions (2):

Illumina Laboratory Services, Illumina
Classification: Benign for Ellis-van Creveld syndrome. Last evaluated: 2018-01-12. Review status: criteria provided, single submitter. Criteria: ICSL Variant Classification Criteria 13 December 2019. Collection method: clinical testing. Allele origin: germline.
Comment: This variant was observed in the ICSL laboratory as part of a predisposition screen in an ostensibly healthy population. It had not been previously curated by ICSL or reported in the Human Gene Mutation Database (HGMD: prior to June 1st, 2018), and was therefore a candidate for classification through an automated scoring system. Utilizing variant allele frequency, disease prevalence and penetrance estimates, and inheritance mode, an automated score was calculated to assess if this variant is too frequent to cause the disease. Based on the score and internal cut-off values, a variant classified as benign is not then subjected to further curation. The score for this variant resulted in a classification of benign for this disease.

Breakthrough Genomics
Classification: Benign. Review status: criteria provided, single submitter. Criteria: ACMG Guidelines, 2015. Collection method: not provided. Allele origin: germline. Inheritance: Autosomal recessive inheritance. Affected: yes.

NM_153717.3(EVC):c.*2617G>A

Gene: EVC (EvC ciliary complex subunit 1; plus strand). Cytogenetic location: 4p16.2.
Variant type: single nucleotide variant.
Coding change: c.*2617G>A on transcript NM_153717.3 (MANE Select); 2617 bases downstream of the stop codon, G replaced by A.
Molecular consequence: 3 prime UTR variant.
Genome position (GRCh38, 1-based): chr4:5,813,654, G>A. VCF-style: chr4-5813654-G-A. GRCh37 (hg19) VCF-style: chr4-5815381-G-A.
Other names: c.*2617G>A (NM_001306090.2).
Identifiers: ClinVar variation 349276 (VCV000349276.6), dbSNP rs3733186, ClinGen allele CA10621430.
Genomic context (GRCh38, chr4:5,813,654, plus strand): 5'-AGTAAATGCAGGCCCTCTGGCAGCACCATAATTGGTCGGTTACCCTGAGCCCAGAGCTCT[G>A]AAAGCATCTGTGGAATGATCACGGGACCCTTCTCCTCTGAGAAGGCTCCCGGCTGCCTCC-3'